The following is an entry in ClinVar:

ClinVar aggregate classification (germline): Uncertain significance (1 of 4 stars; one submission).

Conditions:
Neurodevelopmental disorder. Identifiers: MedGen C1535926, MeSH D065886, MONDO:0700092.

gnomAD v4.1: 15 of 1,614,182 alleles (0.00093%); highest among the groups gnomAD compares: East Asian, 0.0022%; no homozygotes.

Submission:

Victorian Clinical Genetics Services, Murdoch Childrens Research Institute
Classification: Uncertain significance for Neurodevelopmental disorder. Last evaluated: 2023-07-17. Review status: criteria provided, single submitter. Criteria: ACMG Guidelines, 2015. Collection method: clinical testing. Allele origin: germline. Inheritance: Autosomal dominant inheritance. Affected: yes.
Comment: Based on the classification scheme VCGS_Germline_v1.3.4, this variant is classified as VUS-3B. Following criteria are met: 0102 - Loss of function is a known mechanism of disease in this gene and is associated with nephrotic syndrome (MONDO#0005377), ITSN1-related, and neurodevelopmental disorder (MONDO#0700092), ITSN1-related. (I) 0108 - This gene is associated with both recessive and dominant disease. Biallelic variants cause autosomal recessive nephrotic syndrome (MONDO#0005377), ITSN1-related, while monoallelic variants cause autosomal dominant neurodevelopmental disorder (MONDO#0700092), ITSN1-related (PMIDs: 29773874, 30721404, 34707297). (I) 0200 - Variant is predicted to result in a missense amino acid change from asparagine to aspartic acid. (I) 0251 - This variant is heterozygous. (I) 0304 - Variant is present in gnomAD (v2) <0.01 (1 heterozygote, 0 homozygotes). (SP) 0309 - An alternative amino acid change at the same position has been observed in gnomAD (v2) (1 heterozygote, 0 homozygotes). (I) 0503 - Missense variant consistently predicted to be tolerated by multiple in silico tools or not conserved in placental mammals with a minor amino acid change. (SB) 0604 - Variant is not located in an established domain, motif, hotspot or informative constraint region. (I) 0705 - No comparable missense variants have previous evidence for pathogenicity. (I) 0807 - This variant has no previous evidence of pathogenicity. (I) 0905 - No published segregation evidence has been identified for this variant. (I) 1007 - No published functional evidence has been identified for this variant. (I) 1207 - Parental origin of the variant is unresolved. (I) Legend: (SP) - Supporting pathogenic, (I) - Information, (SB) - Supporting benign

Literature cited by the submitters: PubMed 29773874; PubMed 30721404; PubMed 34707297.

NM_003024.3(ITSN1):c.1540A>G (p.Asn514Asp)

Gene: ITSN1 (intersectin 1; plus strand). Cytogenetic location: 21q22.11.
Variant type: single nucleotide variant.
Coding change: c.1540A>G on transcript NM_003024.3 (MANE Select); coding-DNA position 1540, A replaced by G.
Protein change: p.Asn514Asp; replaces asparagine 514 with aspartic acid.
Molecular consequence: missense variant.
Genome position (GRCh38, 1-based): chr21:33,775,052, A>G. VCF-style: chr21-33775052-A-G. GRCh37 (hg19) VCF-style: chr21-35147356-A-G.
Other names: c.1540A>G, p.Asn514Asp (NM_001001132.2, NM_001331008.2, NM_001331009.2 and 2 more transcripts); c.1429A>G, p.Asn477Asp (NM_001331012.2); short protein forms N477D, N514D.
Identifiers: ClinVar variation 3376748 (VCV003376748.1).